The following is an entry in ClinVar:

NM_199355.4(ADAMTS18):c.1957C>G (p.Gln653Glu)

Gene: ADAMTS18 (ADAM metallopeptidase with thrombospondin type 1 motif 18; minus strand). Cytogenetic location: 16q23.1.
Variant type: single nucleotide variant.
Coding change: c.1957C>G on transcript NM_199355.4 (MANE Select); coding-DNA position 1957, C replaced by G.
Protein change: p.Gln653Glu; replaces glutamine 653 with glutamic acid.
Molecular consequence: missense variant.
Genome position (GRCh38, 1-based): chr16:77,325,941, G>C on the plus strand (C>G on the coding strand, the complement: ADAMTS18 is on the minus strand). VCF-style: chr16-77325941-G-C. GRCh37 (hg19) VCF-style: chr16-77359838-G-C.
Other names: c.1441C>G, p.Gln481Glu (NM_001326358.2); short protein forms Q481E, Q653E.
Identifiers: ClinVar variation 2011001 (VCV002011001.4), dbSNP rs767124969, ClinGen allele CA8181113.

ClinVar aggregate classification (germline): Uncertain significance (1 of 4 stars; one submission).

Allele frequency attached by ClinVar (database versions not stated): ExAC 0.00001; gnomAD 0.00001; TOPMed 0.00001.
gnomAD v4.1: 3 of 1,613,896 alleles (0.00019%); highest among the groups gnomAD compares: African/African-American, 0.004%; no homozygotes.

Submission:

Labcorp Genetics (formerly Invitae), Labcorp
Classification: Uncertain significance. Last evaluated: 2022-07-27. Review status: criteria provided, single submitter. Criteria: Invitae Variant Classification Sherloc (09022015). Collection method: clinical testing. Allele origin: germline.
Comment: In summary, the available evidence is currently insufficient to determine the role of this variant in disease. Therefore, it has been classified as a Variant of Uncertain Significance. Algorithms developed to predict the effect of missense changes on protein structure and function are either unavailable or do not agree on the potential impact of this missense change (SIFT: "Not Available"; PolyPhen-2: "Benign"; Align-GVGD: "Not Available"). This variant has not been reported in the literature in individuals affected with ADAMTS18-related conditions. This variant is present in population databases (rs767124969, gnomAD 0.01%). This sequence change replaces glutamine, which is neutral and polar, with glutamic acid, which is acidic and polar, at codon 653 of the ADAMTS18 protein (p.Gln653Glu).